The following is an entry in ClinVar:

NM_001283009.2(RTEL1):c.537A>C (p.Glu179Asp)

Genes: RTEL1 (regulator of telomere elongation helicase 1; plus strand), RTEL1-TNFRSF6B (RTEL1-TNFRSF6B readthrough (NMD candidate); plus strand). Cytogenetic location: 20q13.33.
Variant type: single nucleotide variant.
Coding change: c.537A>C on transcript NM_001283009.2 (MANE Select); coding-DNA position 537, A replaced by C.
Protein change: p.Glu179Asp; replaces glutamic acid 179 with aspartic acid.
Molecular consequence: missense variant. On other transcripts: non-coding transcript variant (1), 5 prime UTR variant (1).
Genome position (GRCh38, 1-based): chr20:63,662,888, A>C. VCF-style: chr20-63662888-A-C. GRCh37 (hg19) VCF-style: chr20-62294241-A-C.
Other names: c.-133A>C (NM_001283010.1); c.537A>C, p.Glu179Asp (NM_016434.4); c.609A>C, p.Glu203Asp (NM_032957.5); short protein forms E179D, E203D.
Identifiers: ClinVar variation 4629560 (VCV004629560.1).
Genomic context (GRCh38, chr20:63,662,888, plus strand): 5'-GATCCACTTGTGCCGTAAGAAGGTGGCAAGTCGCTCCTGTCATTTCTACAACAACGTAGA[A>C]GGTACAAGCAGCTGGGTGGGACCAGGGTCGGGTTGGAGTGTGTGCAGCCTCTCAGGGTGG-3'
Protein context (NP_001269938.1, residues 169-189): SRSCHFYNNV[Glu179Asp]EKSLEQELAS

ClinVar aggregate classification (germline): Uncertain significance (1 of 4 stars; one submission).

Conditions:
Inborn genetic diseases. Identifiers: MedGen C0950123, MeSH D030342.

Submission:

Ambry Genetics
Classification: Uncertain significance for Inborn genetic diseases. Last evaluated: 2025-10-22. Review status: criteria provided, single submitter. Criteria: Ambry Variant Classification Scheme 2023. Collection method: clinical testing. Allele origin: germline.
Comment: The p.E179D variant (also known as c.537A>C), located in coding exon 5 of the RTEL1 gene, results from an A to C substitution at nucleotide position 537. The glutamic acid at codon 179 is replaced by aspartic acid, an amino acid with highly similar properties. This amino acid position is conserved. In addition, this alteration is predicted to be tolerated by in silico analysis. Based on the available evidence, the clinical significance of this variant remains unclear.